The following is an entry in ClinVar:

ClinVar aggregate classification (germline): Likely benign (1 of 4 stars; one submission).

gnomAD v4.1: 1 of 1,613,960 alleles (0.000062%); no homozygotes.

Submission:

CeGaT Center for Human Genetics Tuebingen
Classification: Likely benign. Last evaluated: 2023-03-01. Review status: criteria provided, single submitter. Criteria: CeGaT Center For Human Genetics Tuebingen Variant Classification Criteria Version 2. Collection method: clinical testing. Allele origin: germline. Affected: yes. Observed: 1 variant allele.
Comment: HEPHL1: PM2:Supporting, BP4, BP7

NM_001098672.2(HEPHL1):c.285C>G (p.Pro95=)

Gene: HEPHL1 (hephaestin like 1; plus strand). Cytogenetic location: 11q21.
Variant type: single nucleotide variant.
Coding change: c.285C>G on transcript NM_001098672.2 (MANE Select); coding-DNA position 285, C replaced by G.
Protein change: p.Pro95=; no amino-acid change (proline 95 retained).
Molecular consequence: synonymous variant.
Genome position (GRCh38, 1-based): chr11:94,045,787, C>G. VCF-style: chr11-94045787-C-G. GRCh37 (hg19) VCF-style: chr11-93778953-C-G.
Identifiers: ClinVar variation 2642290 (VCV002642290.24), dbSNP rs2496186281, ClinGen allele CA476484554.
Genomic context (GRCh38, chr11:94,045,787, plus strand): 5'-AAAGGCTGTTTACAGACGCTTCACGGATGGAACCTACTCCATAGAGATCCCCAAACCTCC[C>G]TGGCTTGGATTCCTGGGCCCCATCTTGAGGGCCGAAGTGGGTGATGTGATTGTCATTCAT-3'
Protein context (NP_001092142.1, residues 85-105): GTYSIEIPKP[Pro95=]WLGFLGPILR